The following is an entry in ClinVar:

ClinVar aggregate classification (germline): Uncertain significance (1 of 4 stars; one submission).

Conditions:
Familial thoracic aortic aneurysm and aortic dissection (TAAD). Also called: Thoracic aortic aneurysms and dissections. Identifiers: Orphanet 91387, MedGen C4707243, MONDO:0019625.

Allele frequency attached by ClinVar (database versions not stated): gnomAD exomes below 0.00001.
gnomAD v4.1: 2 of 1,613,852 alleles (0.00012%); highest among the groups gnomAD compares: Non-Finnish European, 0.00017%; no homozygotes.

Submission:

Ambry Genetics
Classification: Uncertain significance for Familial thoracic aortic aneurysm and aortic dissection. Last evaluated: 2023-11-08. Review status: criteria provided, single submitter. Criteria: Ambry Variant Classification Scheme 2023. Collection method: clinical testing. Allele origin: germline.
Comment: The p.R1560C variant (also known as c.4678C>T), located in coding exon 25 of the MYLK gene, results from a C to T substitution at nucleotide position 4678. The arginine at codon 1560 is replaced by cysteine, an amino acid with highly dissimilar properties. This amino acid position is highly conserved in available vertebrate species. In addition, this alteration is predicted to be deleterious by in silico analysis. Since supporting evidence is limited at this time, the clinical significance of this alteration remains unclear.

NM_053025.4(MYLK):c.4678C>T (p.Arg1560Cys)

Gene: MYLK (myosin light chain kinase; minus strand). Cytogenetic location: 3q21.1.
Variant type: single nucleotide variant.
Coding change: c.4678C>T on transcript NM_053025.4 (MANE Select); coding-DNA position 4678, C replaced by T.
Protein change: p.Arg1560Cys; replaces arginine 1560 with cysteine.
Molecular consequence: missense variant.
Genome position (GRCh38, 1-based): chr3:123,640,446, G>A on the plus strand (C>T on the coding strand, the complement: MYLK is on the minus strand). VCF-style: chr3-123640446-G-A. GRCh37 (hg19) VCF-style: chr3-123359293-G-A.
Other names: c.4150C>T, p.Arg1384Cys (NM_001321309.2); c.4471C>T, p.Arg1491Cys (NM_053026.4, NM_053028.4); c.4678C>T, p.Arg1560Cys (NM_053027.4); short protein forms R1384C, R1491C, R1560C.
Identifiers: ClinVar variation 1742364 (VCV001742364.2), dbSNP rs2473241510, ClinGen allele CA354226204.